The following is an entry in ClinVar:

ClinVar aggregate classification (germline): Uncertain significance (1 of 4 stars; one submission).

Submission:

Mayo Clinic Laboratories, Mayo Clinic
Classification: Uncertain significance. Last evaluated: 2023-09-26. Review status: criteria provided, single submitter. Criteria: ACMG Guidelines, 2015. Collection method: clinical testing. Allele origin: germline. Observed: 1 variant allele.
Comment: PM2

NM_000393.5(COL5A2):c.434A>C (p.Glu145Ala)

Gene: COL5A2 (collagen type V alpha 2 chain; minus strand). Cytogenetic location: 2q32.2.
Variant type: single nucleotide variant.
Coding change: c.434A>C on transcript NM_000393.5 (MANE Select); coding-DNA position 434, A replaced by C.
Protein change: p.Glu145Ala; replaces glutamic acid 145 with alanine.
Molecular consequence: missense variant.
Genome position (GRCh38, 1-based): chr2:189,097,299, T>G on the plus strand (A>C on the coding strand, the complement: COL5A2 is on the minus strand). VCF-style: chr2-189097299-T-G. GRCh37 (hg19) VCF-style: chr2-189962025-T-G.
Other names: p.Glu145Ala; short protein forms E145A.
Identifiers: ClinVar variation 3379404 (VCV003379404.1).